The following is an entry in ClinVar:

NM_080680.3(COL11A2):c.760A>G (p.Arg254Gly)

Gene: COL11A2 (collagen type XI alpha 2 chain; minus strand). Cytogenetic location: 6p21.32.
Variant type: single nucleotide variant.
Coding change: c.760A>G on transcript NM_080680.3 (MANE Select); coding-DNA position 760, A replaced by G.
Protein change: p.Arg254Gly; replaces arginine 254 with glycine.
Molecular consequence: missense variant.
Genome position (GRCh38, 1-based): chr6:33,186,665, T>C on the plus strand (A>G on the coding strand, the complement: COL11A2 is on the minus strand). VCF-style: chr6-33186665-T-C. GRCh37 (hg19) VCF-style: chr6-33154442-T-C.
Other names: c.760A>G, p.Arg254Gly (NM_001163771.2, NM_080679.3, NM_080681.3); c.760A>G (NM_080680.2); short protein forms R254G.
Identifiers: ClinVar variation 1357400 (VCV001357400.10), dbSNP rs755419571, ClinGen allele CA3751585.

ClinVar aggregate classification (germline): Conflicting classifications of pathogenicity. Review status: criteria provided, conflicting classifications (1 of 4 stars). 2 submissions from 2 submitters: Uncertain significance (1); Likely benign (1). Last evaluated 2024-12-02.

Allele frequency attached by ClinVar (database versions not stated): gnomAD exomes below 0.00001; TOPMed below 0.00001; ExAC 0.00001.
gnomAD v4.1: 1 of 1,614,098 alleles (0.000062%); highest among the groups gnomAD compares: Non-Finnish European, 0.000085%; no homozygotes.

Submissions (2):

GeneDx
Classification: Uncertain significance. Last evaluated: 2024-12-02. Review status: criteria provided, single submitter. Criteria: GeneDx Variant Classification Process June 2021. Collection method: clinical testing. Allele origin: germline.
Comment: Not observed at significant frequency in large population cohorts (gnomAD); In silico analysis indicates that this missense variant does not alter protein structure/function; Has not been previously published as pathogenic or benign to our knowledge

Labcorp Genetics (formerly Invitae), Labcorp
Classification: Likely benign. Last evaluated: 2024-08-02. Review status: criteria provided, single submitter. Criteria: Invitae Variant Classification Sherloc (09022015). Collection method: clinical testing. Allele origin: germline.